The following is an entry in ClinVar:

ClinVar aggregate classification (germline): Uncertain significance (1 of 4 stars; one submission).

Submission:

Ambry Genetics
Classification: Uncertain significance. Last evaluated: 2024-07-26. Review status: criteria provided, single submitter. Criteria: Ambry Variant Classification Scheme 2023. Collection method: clinical testing. Allele origin: germline.
Comment: The p.A90V variant (also known as c.269C>T), located in coding exon 1 of the PALLD gene, results from a C to T substitution at nucleotide position 269. The alanine at codon 90 is replaced by valine, an amino acid with similar properties. This amino acid position is conserved. In addition, this alteration is predicted to be tolerated by in silico analysis. Based on the available evidence, the clinical significance of this variant remains unclear.

NM_001166108.2(PALLD):c.269C>T (p.Ala90Val)

Gene: PALLD (palladin, cytoskeletal associated protein; plus strand). Cytogenetic location: 4q32.3.
Variant type: single nucleotide variant.
Coding change: c.269C>T on transcript NM_001166108.2 (MANE Select); coding-DNA position 269, C replaced by T.
Protein change: p.Ala90Val; replaces alanine 90 with valine.
Molecular consequence: missense variant.
Genome position (GRCh38, 1-based): chr4:168,511,773, C>T. VCF-style: chr4-168511773-C-T. GRCh37 (hg19) VCF-style: chr4-169432924-C-T.
Other names: c.269C>T, p.Ala90Val (NM_016081.4); short protein forms A90V.
Identifiers: ClinVar variation 3413583 (VCV003413583.1).